The following is an entry in ClinVar:

NM_001009944.3(PKD1):c.11557G>A (p.Glu3853Lys)

Genes: PKD1-AS1 (PKD1 antisense RNA 1; plus strand), PKD1 (polycystin 1, transient receptor potential channel interacting; minus strand). Cytogenetic location: 16p13.3.
Variant type: single nucleotide variant.
Coding change: c.11557G>A on transcript NM_001009944.3 (MANE Select); coding-DNA position 11557, G replaced by A.
Protein change: p.Glu3853Lys; replaces glutamic acid 3853 with lysine.
Molecular consequence: missense variant. On other transcripts: non-coding transcript variant (1).
Genome position (GRCh38, 1-based): chr16:2,091,578, C>T on the plus strand (G>A on the coding strand, the complement: PKD1 is on the minus strand). VCF-style: chr16-2091578-C-T. GRCh37 (hg19) VCF-style: chr16-2141579-C-T.
Other names: c.11554G>A, p.Glu3852Lys (NM_000296.4); short protein forms E3852K, E3853K.
Identifiers: ClinVar variation 3066239 (VCV003066239.2), dbSNP rs2091580237, ClinGen allele CA394332055.

ClinVar aggregate classification (germline): Uncertain significance. Review status: criteria provided, multiple submitters, no conflicts (2 of 4 stars). 2 submissions from 2 submitters: Uncertain significance (2). Last evaluated 2023-05-31.

Conditions:
Polycystic kidney disease, adult type (PKD1). Also called: Polycystic Kidney, Autosomal Dominant; POLYCYSTIC KIDNEY DISEASE 1 WITH OR WITHOUT POLYCYSTIC LIVER DISEASE; Polycystic Kidney Disease 1, Autosomal Dominant; Polycystic kidney disease 1; Polycystic kidney disease 1, severe; POLYCYSTIC KIDNEY DISEASE, ADULT, TYPE I. Identifiers: MedGen C3149841, MONDO:0008263, OMIM 173900.

Allele frequency attached by ClinVar (database versions not stated): TOPMed below 0.00001.

Submissions (2):

GeneDx
Classification: Uncertain significance. Last evaluated: 2023-05-31. Review status: criteria provided, single submitter. Criteria: GeneDx Variant Classification Process June 2021. Collection method: clinical testing. Allele origin: germline. Affected: yes.
Comment: Not observed at significant frequency in large population cohorts (gnomAD); In silico analysis supports that this missense variant has a deleterious effect on protein structure/function; Has not been previously published as pathogenic or benign to our knowledge

MVZ Medizinische Genetik Mainz
Classification: Uncertain significance for Polycystic kidney disease, adult type. Last evaluated: 2021-08-17. Review status: criteria provided, single submitter. Criteria: UK Practice Guidelines For Variant Classification V4 01 2020. Collection method: clinical testing. Allele origin: germline. Inheritance: Autosomal dominant inheritance. Observed: 1 variant allele.
Comment: ACMG Criteria: PS4_SUP, PM2_SUP, PP3 (ACMG Version 3)